The following is an entry in ClinVar:

ClinVar aggregate classification (germline): Uncertain significance (1 of 4 stars; one submission).

Allele frequency attached by ClinVar (database versions not stated): gnomAD 0.00001; gnomAD exomes 0.00001; TOPMed 0.00001; ExAC 0.00002.
gnomAD v4.1: 12 of 1,613,880 alleles (0.00074%); highest among the groups gnomAD compares: Admixed American, 0.0083%; no homozygotes.

Submission:

Labcorp Genetics (formerly Invitae), Labcorp
Classification: Uncertain significance. Last evaluated: 2024-04-09. Review status: criteria provided, single submitter. Criteria: Invitae Variant Classification Sherloc (09022015). Collection method: clinical testing. Allele origin: germline.
Comment: This sequence change replaces alanine, which is neutral and non-polar, with threonine, which is neutral and polar, at codon 906 of the EMC1 protein (p.Ala906Thr). This variant is present in population databases (rs767596155, gnomAD 0.009%). This variant has not been reported in the literature in individuals affected with EMC1-related conditions. ClinVar contains an entry for this variant (Variation ID: 1521333). Advanced modeling of protein sequence and biophysical properties (such as structural, functional, and spatial information, amino acid conservation, physicochemical variation, residue mobility, and thermodynamic stability) performed at Invitae indicates that this missense variant is not expected to disrupt EMC1 protein function with a negative predictive value of 80%. In summary, the available evidence is currently insufficient to determine the role of this variant in disease. Therefore, it has been classified as a Variant of Uncertain Significance.

NM_015047.3(EMC1):c.2716G>A (p.Ala906Thr)

Genes: EMC1 (ER membrane protein complex subunit 1; minus strand), EMC1-AS1 (EMC1 antisense RNA 1; plus strand). Cytogenetic location: 1p36.13.
Variant type: single nucleotide variant.
Coding change: c.2716G>A on transcript NM_015047.3 (MANE Select); coding-DNA position 2716, G replaced by A.
Protein change: p.Ala906Thr; replaces alanine 906 with threonine.
Molecular consequence: missense variant.
Genome position (GRCh38, 1-based): chr1:19,219,655, C>T on the plus strand (G>A on the coding strand, the complement: EMC1 is on the minus strand). VCF-style: chr1-19219655-C-T. GRCh37 (hg19) VCF-style: chr1-19546149-C-T.
Other names: c.2713G>A, p.Ala905Thr (NM_001271427.2, NM_001271428.2); c.2650G>A, p.Ala884Thr (NM_001271429.2); c.2725G>A, p.Ala909Thr (NM_001375820.1); c.2722G>A, p.Ala908Thr (NM_001375821.1); short protein forms A905T, A908T, A909T, A884T, A906T.
Identifiers: ClinVar variation 1521333 (VCV001521333.8), dbSNP rs767596155, ClinGen allele CA652164.